The following is an entry in ClinVar:

NM_002907.4(RECQL):c.341C>T (p.Pro114Leu)

Gene: RECQL (RecQ like helicase; minus strand). Cytogenetic location: 12p12.1.
Variant type: single nucleotide variant.
Coding change: c.341C>T on transcript NM_002907.4 (MANE Select); coding-DNA position 341, C replaced by T.
Protein change: p.Pro114Leu; replaces proline 114 with leucine.
Molecular consequence: missense variant.
Genome position (GRCh38, 1-based): chr12:21,490,252, G>A on the plus strand (C>T on the coding strand, the complement: RECQL is on the minus strand). VCF-style: chr12-21490252-G-A. GRCh37 (hg19) VCF-style: chr12-21643186-G-A.
Other names: c.341C>T, p.Pro114Leu (NM_032941.3); short protein forms P114L.
Identifiers: ClinVar variation 1056612 (VCV001056612.9), dbSNP rs2136749128, ClinGen allele CA384132512.

ClinVar aggregate classification (germline): Uncertain significance (1 of 4 stars; one submission).

Submission:

Labcorp Genetics (formerly Invitae), Labcorp
Classification: Uncertain significance. Last evaluated: 2020-06-29. Review status: criteria provided, single submitter. Criteria: Invitae Variant Classification Sherloc (09022015). Collection method: clinical testing. Allele origin: germline.
Comment: This variant is not present in population databases (ExAC no frequency). In summary, the available evidence is currently insufficient to determine the role of this variant in disease. Therefore, it has been classified as a Variant of Uncertain Significance. Algorithms developed to predict the effect of missense changes on protein structure and function are either unavailable or do not agree on the potential impact of this missense change (SIFT: "Deleterious"; PolyPhen-2: "Probably Damaging"; Align-GVGD: "Class C0"). This variant has not been reported in the literature in individuals with RECQL-related conditions. This sequence change replaces proline with leucine at codon 114 of the RECQL protein (p.Pro114Leu). The proline residue is highly conserved and there is a moderate physicochemical difference between proline and leucine.